The following is an entry in ClinVar:

NM_001286611.2(REPS1):c.1895A>C (p.Gln632Pro)

Gene: REPS1 (RALBP1 associated Eps domain containing 1; minus strand). Cytogenetic location: 6q24.1.
Variant type: single nucleotide variant.
Coding change: c.1895A>C on transcript NM_001286611.2 (MANE Select); coding-DNA position 1895, A replaced by C.
Protein change: p.Gln632Pro; replaces glutamine 632 with proline.
Molecular consequence: missense variant.
Genome position (GRCh38, 1-based): chr6:138,912,841, T>G on the plus strand (A>C on the coding strand, the complement: REPS1 is on the minus strand). VCF-style: chr6-138912841-T-G. GRCh37 (hg19) VCF-style: chr6-139233978-T-G.
Other names: c.1814A>C, p.Gln605Pro (NM_001128617.3); c.1622A>C, p.Gln541Pro (NM_001286612.2); c.1892A>C, p.Gln631Pro (NM_031922.5); short protein forms Q541P, Q605P, Q631P, Q632P.
Identifiers: ClinVar variation 1417236 (VCV001417236.8), dbSNP rs1236856422, ClinGen allele CA365807504.

ClinVar aggregate classification (germline): Uncertain significance (1 of 4 stars; one submission).

Allele frequency attached by ClinVar (database versions not stated): gnomAD exomes 0.00001 and 0.00006; TOPMed 0.00012; gnomAD 0.00014 and 0.00015.
gnomAD v4.1: 37 of 1,614,024 alleles (0.0023%); highest among the groups gnomAD compares: Admixed American, 0.06%; no homozygotes.

Submission:

Labcorp Genetics (formerly Invitae), Labcorp
Classification: Uncertain significance. Last evaluated: 2021-05-14. Review status: criteria provided, single submitter. Criteria: Invitae Variant Classification Sherloc (09022015). Collection method: clinical testing. Allele origin: germline.
Comment: This sequence change replaces glutamine with proline at codon 632 of the REPS1 protein (p.Gln632Pro). The glutamine residue is highly conserved and there is a moderate physicochemical difference between glutamine and proline. This variant is not present in population databases (ExAC no frequency). This variant has not been reported in the literature in individuals with REPS1-related conditions. In summary, the available evidence is currently insufficient to determine the role of this variant in disease. Therefore, it has been classified as a Variant of Uncertain Significance. Algorithms developed to predict the effect of missense changes on protein structure and function (SIFT, PolyPhen-2, Align-GVGD) all suggest that this variant is likely to be tolerated, but these predictions have not been confirmed by published functional studies and their clinical significance is uncertain.